The following is an entry in ClinVar:

NM_014845.6(FIG4):c.858A>G (p.Lys286=)

Gene: FIG4 (FIG4 phosphoinositide 5-phosphatase; plus strand). Cytogenetic location: 6q21.
Variant type: single nucleotide variant.
Coding change: c.858A>G on transcript NM_014845.6 (MANE Select); coding-DNA position 858, A replaced by G.
Protein change: p.Lys286=; no amino-acid change (lysine 286 retained).
Molecular consequence: synonymous variant.
Genome position (GRCh38, 1-based): chr6:109,741,526, A>G. VCF-style: chr6-109741526-A-G. GRCh37 (hg19) VCF-style: chr6-110062729-A-G.
Identifiers: ClinVar variation 2656834 (VCV002656834.24), dbSNP rs2486132755, ClinGen allele CA451753910.
Genomic context (GRCh38, chr6:109,741,526, plus strand): 5'-AGTGTATGTCACTCTAATAGCTAGAAGATCCAGTAAATTTGCTGGCACCCGTTTTCTTAA[A>G]AGAGGTGCAAACTGTGAGGTAAGATGACAAACAGTATCTTCACTGACCTTTTAACCTTTT-3'
Protein context (NP_055660.1, residues 276-296): SSKFAGTRFL[Lys286=]RGANCEGDVA

ClinVar aggregate classification (germline): Likely benign (1 of 4 stars; one submission).

Submission:

CeGaT Center for Human Genetics Tuebingen
Classification: Likely benign. Last evaluated: 2023-02-01. Review status: criteria provided, single submitter. Criteria: CeGaT Center For Human Genetics Tuebingen Variant Classification Criteria Version 2. Collection method: clinical testing. Allele origin: germline. Affected: yes. Observed: 1 variant allele.
Comment: FIG4: PM2:Supporting, BP4, BP7